The following is an entry in ClinVar:

ClinVar aggregate classification (germline): Likely pathogenic. Review status: criteria provided, single submitter (1 of 4 stars). 2 submissions from 2 submitters: Likely pathogenic (1). 1 of the submissions does not count toward it. Last evaluated 2021-11-30.

Conditions:
Pheochromocytoma/paraganglioma syndrome 1. Also called: PARAGANGLIOMATA; PARAGANGLIOMAS, FAMILIAL NONCHROMAFFIN, 1; PGL 1; Paragangliomas familial 1; Paraganglioma - glomus jugulare; SDHD-Related Hereditary Paraganglioma-Pheochromocytoma Syndrome. Identifiers: Orphanet 29072, MedGen C3494181, MONDO:0008192, OMIM 168000.
Pheochromocytoma. Also called: MAX-Related Hereditary Paraganglioma-Pheochromocytoma Syndrome. Identifiers: Orphanet 29072, MedGen C0031511, MONDO:0008233, OMIM 171300, HP:0002666.

Submissions (2):

Laboratorio de Genetica e Diagnostico Molecular, Hospital Israelita Albert Einstein
Classification: Likely pathogenic for Pheochromocytoma. Last evaluated: 2021-11-30. Review status: criteria provided, single submitter. Criteria: ACMG Guidelines, 2015. Collection method: clinical testing. Allele origin: germline. Affected: yes.
Comment: ACMG classification criteria: PVS1 strong, PS4 supporting, PM2 moderate

OMIM
Classification: Pathogenic for PHEOCHROMOCYTOMA/PARAGANGLIOMA SYNDROME 1. Last evaluated: 2000-12-15. Review status: no assertion criteria provided. Collection method: literature only. Allele origin: germline. Not counted in ClinVar's aggregate classification.

Literature cited by the submitters: PubMed 11156372 (cited by OMIM).

NM_003002.4(SDHD):c.52+2T>G

Genes: SDHD (succinate dehydrogenase complex subunit D; plus strand), LOC126861339 (BRD4-independent group 4 enhancer GRCh37_chr11:111957035-111958234; plus strand). Cytogenetic location: 11q23.1.
Variant type: single nucleotide variant.
Coding change: c.52+2T>G on transcript NM_003002.4 (MANE Select); the canonical splice donor site of the intron after coding-DNA position 52, T replaced by G.
Molecular consequence: splice donor variant.
Genome position (GRCh38, 1-based): chr11:112,086,961, T>G. VCF-style: chr11-112086961-T-G. GRCh37 (hg19) VCF-style: chr11-111957685-T-G.
Other names: IVS1DS, T-G, +2; c.52+2T>G (NM_001276506.2, NM_001276503.2, NM_001276504.2).
Identifiers: ClinVar variation 6894 (VCV000006894.7), dbSNP rs587776644, ClinGen allele CA017068.